The following is an entry in ClinVar:

ClinVar aggregate classification (germline): Uncertain significance (1 of 4 stars; one submission).

Submission:

Labcorp Genetics (formerly Invitae), Labcorp
Classification: Uncertain significance. Last evaluated: 2024-03-17. Review status: criteria provided, single submitter. Criteria: Invitae Variant Classification Sherloc (09022015). Collection method: clinical testing. Allele origin: germline.
Comment: This sequence change replaces serine, which is neutral and polar, with cysteine, which is neutral and slightly polar, at codon 816 of the PACS2 protein (p.Ser816Cys). This variant is not present in population databases (gnomAD no frequency). This variant has not been reported in the literature in individuals affected with PACS2-related conditions. Advanced modeling of protein sequence and biophysical properties (such as structural, functional, and spatial information, amino acid conservation, physicochemical variation, residue mobility, and thermodynamic stability) performed at Invitae indicates that this missense variant is not expected to disrupt PACS2 protein function with a negative predictive value of 80%. In summary, the available evidence is currently insufficient to determine the role of this variant in disease. Therefore, it has been classified as a Variant of Uncertain Significance.

NM_001100913.3(PACS2):c.2447C>G (p.Ser816Cys)

Gene: PACS2 (phosphofurin acidic cluster sorting protein 2; plus strand). Cytogenetic location: 14q32.33.
Variant type: single nucleotide variant.
Coding change: c.2447C>G on transcript NM_001100913.3 (MANE Select); coding-DNA position 2447, C replaced by G.
Protein change: p.Ser816Cys; replaces serine 816 with cysteine.
Molecular consequence: missense variant.
Genome position (GRCh38, 1-based): chr14:105,392,810, C>G. VCF-style: chr14-105392810-C-G. GRCh37 (hg19) VCF-style: chr14-105859147-C-G.
Other names: c.2177C>G, p.Ser726Cys (NM_001243127.3); c.2402C>G, p.Ser801Cys (NM_015197.4); short protein forms S801C, S726C, S816C.
Identifiers: ClinVar variation 2776951 (VCV002776951.3), dbSNP rs2544900349, ClinGen allele CA391188744.
Genomic context (GRCh38, chr14:105,392,810, plus strand): 5'-GGTCCCTCCAGGTCAGCAGGCTGCCCAGCAGCGGCGAGGCTGCAGCCACGCCCACCATGT[C>G]CATGACCGTGGTCACCAAGGAGAAGAACAAGAAGGGTGAGGTGGGGCAGGCTATAAGGCC-3'
Protein context (NP_001094383.2, residues 806-826): SGEAAATPTM[Ser816Cys]MTVVTKEKNK